The following is an entry in ClinVar:

NM_004006.3(DMD):c.1687C>A (p.Arg563Ser)

Gene: DMD (dystrophin; minus strand). Cytogenetic location: Xp21.1.
Variant type: single nucleotide variant.
Coding change: c.1687C>A on transcript NM_004006.3 (MANE Select); coding-DNA position 1687, C replaced by A.
Protein change: p.Arg563Ser; replaces arginine 563 with serine.
Molecular consequence: missense variant.
Genome position (GRCh38, 1-based): chrX:32,573,762, G>T on the plus strand (C>A on the coding strand, the complement: DMD is on the minus strand). VCF-style: chrX-32573762-G-T. GRCh37 (hg19) VCF-style: chrX-32591879-G-T.
Other names: c.1663C>A, p.Arg555Ser (NM_000109.4); c.1675C>A, p.Arg559Ser (NM_004009.3); c.1318C>A, p.Arg440Ser (NM_004010.3); short protein forms R563S, R559S, R440S, R555S.
Identifiers: ClinVar variation 285979 (VCV000285979.64), dbSNP rs145739725, ClinGen allele CA10379769.
Genomic context (GRCh38, chrX:32,573,762, plus strand): 5'-TCCCCCCGTGTCTTTTACAGCTAGTTTCTCACACATGACACACCTGTTCTTCAGTAAGAC[G>T]TTGCCATTTGAGAAGGATGTCTTGTAAAAGAACCCAGCGGTCTTCTGTCCATCTACAGAT-3'
Protein context (NP_003997.2, residues 553-573): LLQDILLKWQ[Arg563Ser]LTEEQCLFSA

ClinVar aggregate classification (germline): Conflicting classifications of pathogenicity. Review status: criteria provided, conflicting classifications (1 of 4 stars). 8 submissions from 8 submitters: Uncertain significance (6); Benign (1); Likely benign (1). Last evaluated 2026-01-31.

Conditions:
Cardiovascular phenotype. Identifiers: MedGen CN230736.
Dilated cardiomyopathy 3B (CMD3B). Also called: CMD3B: DMD-Related Dilated Cardiomyopathy; CARDIOMYOPATHY, DILATED, X-LINKED; DMD-Associated Dilated Cardiomyopathy. Identifiers: Orphanet 154, MedGen C3668940, MONDO:0010542, OMIM 302045.
Duchenne muscular dystrophy (DMD). Also called: MUSCULAR DYSTROPHY, PSEUDOHYPERTROPHIC PROGRESSIVE, DUCHENNE TYPE; Duchenne Muscular Dystrophy (DMD). Identifiers: Orphanet 98896, MedGen C0013264, MONDO:0010679, OMIM 310200.

Allele frequency attached by ClinVar (database versions not stated): TOPMed 0.00006.
gnomAD v4.1: 109 of 1,209,241 alleles (0.009%); highest among the groups gnomAD compares: Non-Finnish European, 0.012%; no homozygotes.

Submissions (8):

Labcorp Genetics (formerly Invitae), Labcorp
Classification: Benign for Duchenne muscular dystrophy. Last evaluated: 2026-01-31. Review status: criteria provided, single submitter. Criteria: Invitae Variant Classification Sherloc (09022015). Collection method: clinical testing. Allele origin: germline.

Revvity Omics, Revvity
Classification: Uncertain significance. Last evaluated: 2025-02-26. Review status: criteria provided, single submitter. Criteria: ACMG Guidelines, 2015. Collection method: clinical testing. Allele origin: germline.

Ambry Genetics
Classification: Uncertain significance for Cardiovascular phenotype. Last evaluated: 2023-12-27. Review status: criteria provided, single submitter. Criteria: Ambry Variant Classification Scheme 2023. Collection method: clinical testing. Allele origin: germline.
Comment: The p.R563S variant (also known as c.1687C>A), located in coding exon 14 of the DMD gene, results from a C to A substitution at nucleotide position 1687. The arginine at codon 563 is replaced by serine, an amino acid with dissimilar properties. This variant was reported in a dilated cardiomyopathy (DCM) cohort; however, clinical details were limited (Mazzarotto F et al. Circulation, 2020 02;141:387-398). Based on data from gnomAD, the A allele has an overall frequency of 0.001% (2/182567) total alleles studied, with 0 hemizygote(s) observed. The highest observed frequency was 0.002% (2/81407) of European (non-Finnish) alleles. This amino acid position is not well conserved in available vertebrate species. In addition, this alteration is predicted to be tolerated by in silico analysis. Since supporting evidence is limited at this time, the clinical significance of this alteration remains unclear.

MGZ Medical Genetics Center
Classification: Uncertain significance for Duchenne muscular dystrophy. Last evaluated: 2021-09-06. Review status: criteria provided, single submitter. Criteria: ACMG Guidelines, 2015. Collection method: clinical testing. Allele origin: germline. Affected: yes. Observed: 1 variant allele.
Comment: ACMG criteria applied: PM2_SUP, BP4

GeneDx
Classification: Likely benign. Last evaluated: 2018-12-20. Review status: criteria provided, single submitter. Criteria: GeneDx Variant Classification Process June 2021. Collection method: clinical testing. Allele origin: germline. Affected: yes.
Comment: This variant is associated with the following publications: (PMID: 31983221)

CeGaT Center for Human Genetics Tuebingen
Classification: Uncertain significance. Last evaluated: 2018-10-01. Review status: criteria provided, single submitter. Criteria: CeGaT Center For Human Genetics Tuebingen Variant Classification Criteria Version 2. Collection method: clinical testing. Allele origin: germline. Affected: yes. Observed: 1 variant allele.

Illumina Laboratory Services, Illumina
Classification: Uncertain significance for Dilated cardiomyopathy 3B. Last evaluated: 2018-01-15. Review status: criteria provided, single submitter. Criteria: ICSL Variant Classification Criteria 13 December 2019. Collection method: clinical testing. Allele origin: germline.

Eurofins Ntd Llc (ga)
Classification: Uncertain significance. Last evaluated: 2016-12-22. Review status: criteria provided, single submitter. Criteria: EGL Classification Definitions 2015. Collection method: clinical testing. Allele origin: germline. Observed: 2 variant alleles, 2 heterozygotes.

Literature cited by the submitters: PubMed 31983221 (cited by Ambry Genetics).